The following is an entry in ClinVar:

NM_001382567.1(STIM1):c.1008A>C (p.Glu336Asp)

Gene: STIM1 (stromal interaction molecule 1; plus strand). Cytogenetic location: 11p15.4.
Variant type: single nucleotide variant.
Coding change: c.1008A>C on transcript NM_001382567.1 (MANE Select); coding-DNA position 1008, A replaced by C.
Protein change: p.Glu336Asp; replaces glutamic acid 336 with aspartic acid.
Molecular consequence: missense variant. On other transcripts: non-coding transcript variant (2).
Genome position (GRCh38, 1-based): chr11:4,082,222, A>C. VCF-style: chr11-4082222-A-C. GRCh37 (hg19) VCF-style: chr11-4103452-A-C.
Other names: c.780A>C, p.Glu260Asp (NM_001382570.1); c.528A>C, p.Glu176Asp (NM_001382571.1); c.786A>C, p.Glu262Asp (NM_001382573.1, NM_001382575.1, NM_001382576.1 and 4 more transcripts); c.519A>C, p.Glu173Asp (NM_001382580.1, NM_001382581.1); c.1008A>C, p.Glu336Asp (NM_003156.4, NM_001277961.3, NM_001277962.2 and 1 more transcripts); c.873A>C, p.Glu291Asp (NM_001382569.1); short protein forms E262D, E260D, E291D, E336D, E173D, E176D.
Identifiers: ClinVar variation 4791207 (VCV004791207.1).

ClinVar aggregate classification (germline): Uncertain significance (1 of 4 stars; one submission).

Conditions:
Combined immunodeficiency due to STIM1 deficiency. Also called: STIM1 DEFICIENCY; IMMUNODEFICIENCY 10. Identifiers: Orphanet 169090, Orphanet 317430, MedGen C2748557, MONDO:0013008, OMIM 612783.
Myopathy with tubular aggregates (TAM). Also called: Tubular Aggregate Myopathy. Identifiers: Orphanet 2593, MedGen C0410207, MONDO:0008051.
Stormorken syndrome (STRMK). Also called: THROMBOCYTOPATHY, ASPLENIA, AND MIOSIS. Identifiers: Orphanet 3204, MedGen C1861451, MONDO:0008497, OMIM 185070.

gnomAD v4.1: 1 of 1,614,052 alleles (0.000062%); highest among the groups gnomAD compares: Non-Finnish European, 0.000085%; no homozygotes.

Submission:

Labcorp Genetics (formerly Invitae), Labcorp
Classification: Uncertain significance for Myopathy with tubular aggregates; Combined immunodeficiency due to STIM1 deficiency; Stormorken syndrome. Last evaluated: 2025-06-03. Review status: criteria provided, single submitter. Criteria: Invitae Variant Classification Sherloc (09022015). Collection method: clinical testing. Allele origin: germline.
Comment: This sequence change replaces glutamic acid, which is acidic and polar, with aspartic acid, which is acidic and polar, at codon 336 of the STIM1 protein (p.Glu336Asp). This variant is not present in population databases (gnomAD no frequency). This variant has not been reported in the literature in individuals affected with STIM1-related conditions. Invitae Evidence Modeling of protein sequence and biophysical properties (such as structural, functional, and spatial information, amino acid conservation, physicochemical variation, residue mobility, and thermodynamic stability) has been performed for this missense variant. However, the output from this modeling did not meet the statistical confidence thresholds required to predict the impact of this variant on STIM1 protein function. In summary, the available evidence is currently insufficient to determine the role of this variant in disease. Therefore, it has been classified as a Variant of Uncertain Significance.